The following is an entry in ClinVar:

NM_001378328.1(CELSR1):c.5633C>T (p.Ser1878Leu)

Gene: CELSR1 (cadherin EGF LAG seven-pass G-type receptor 1; minus strand). Cytogenetic location: 22q13.31.
Variant type: single nucleotide variant.
Coding change: c.5633C>T on transcript NM_001378328.1 (MANE Select); coding-DNA position 5633, C replaced by T.
Protein change: p.Ser1878Leu; replaces serine 1878 with leucine.
Molecular consequence: missense variant.
Genome position (GRCh38, 1-based): chr22:46,397,742, G>A on the plus strand (C>T on the coding strand, the complement: CELSR1 is on the minus strand). VCF-style: chr22-46397742-G-A. GRCh37 (hg19) VCF-style: chr22-46793639-G-A.
Other names: c.5633C>T, p.Ser1878Leu (NM_014246.4); short protein forms S1878L.
Identifiers: ClinVar variation 3490092 (VCV003490092.2).

ClinVar aggregate classification (germline): Uncertain significance. Review status: criteria provided, multiple submitters, no conflicts (2 of 4 stars). 2 submissions from 2 submitters: Uncertain significance (2). Last evaluated 2024-12-03.

gnomAD v4.1: 20 of 1,592,664 alleles (0.0013%); highest among the groups gnomAD compares: African/African-American, 0.011%; no homozygotes.

Submissions (2):

Ambry Genetics
Classification: Uncertain significance. Last evaluated: 2024-12-03. Review status: criteria provided, single submitter. Criteria: Ambry Variant Classification Scheme 2023. Collection method: clinical testing. Allele origin: germline.

GeneDx
Classification: Uncertain significance. Last evaluated: 2024-11-05. Review status: criteria provided, single submitter. Criteria: GeneDx Variant Classification Process June 2021. Collection method: clinical testing. Allele origin: germline. Affected: yes.
Comment: In silico analysis supports that this missense variant has a deleterious effect on protein structure/function; Has not been previously published as pathogenic or benign to our knowledge